The following is an entry in ClinVar:

NM_000400.4(ERCC2):c.1408A>G (p.Ile470Val)

Gene: ERCC2 (ERCC excision repair 2, TFIIH core complex helicase subunit; minus strand). Cytogenetic location: 19q13.32.
Variant type: single nucleotide variant.
Coding change: c.1408A>G on transcript NM_000400.4 (MANE Select); coding-DNA position 1408, A replaced by G.
Protein change: p.Ile470Val; replaces isoleucine 470 with valine.
Molecular consequence: missense variant.
Genome position (GRCh38, 1-based): chr19:45,357,341, T>C on the plus strand (A>G on the coding strand, the complement: ERCC2 is on the minus strand). VCF-style: chr19-45357341-T-C. GRCh37 (hg19) VCF-style: chr19-45860599-T-C.
Other names: short protein forms I470V.
Identifiers: ClinVar variation 1771949 (VCV001771949.2), dbSNP rs2514012535, ClinGen allele CA406367194.

ClinVar aggregate classification (germline): Uncertain significance (1 of 4 stars; one submission).

Conditions:
Inborn genetic diseases. Identifiers: MedGen C0950123, MeSH D030342.

Allele frequency attached by ClinVar (database versions not stated): gnomAD exomes 0.00001.
gnomAD v4.1: 5 of 1,613,968 alleles (0.00031%); highest among the groups gnomAD compares: Non-Finnish European, 0.00042%; no homozygotes.

Submission:

Ambry Genetics
Classification: Uncertain significance for Inborn genetic diseases. Last evaluated: 2022-06-06. Review status: criteria provided, single submitter. Criteria: Ambry Variant Classification Scheme 2023. Collection method: clinical testing. Allele origin: germline.
Comment: The p.I470V variant (also known as c.1408A>G), located in coding exon 15 of the ERCC2 gene, results from an A to G substitution at nucleotide position 1408. The isoleucine at codon 470 is replaced by valine, an amino acid with highly similar properties. This amino acid position is conserved. In addition, the in silico prediction for this alteration is inconclusive. Since supporting evidence is limited at this time, the clinical significance of this alteration remains unclear.